The following is an entry in ClinVar:

NM_014141.6(CNTNAP2):c.3355C>T (p.Arg1119Cys)

Gene: CNTNAP2 (contactin associated protein 2; plus strand). Cytogenetic location: 7q36.1.
Variant type: single nucleotide variant.
Coding change: c.3355C>T on transcript NM_014141.6 (MANE Select); coding-DNA position 3355, C replaced by T.
Protein change: p.Arg1119Cys; replaces arginine 1119 with cysteine.
Molecular consequence: missense variant.
Genome position (GRCh38, 1-based): chr7:148,229,753, C>T. VCF-style: chr7-148229753-C-T. GRCh37 (hg19) VCF-style: chr7-147926845-C-T.
Other names: p.R1119C:CGC>TGC; short protein forms R1119C.
Identifiers: ClinVar variation 195509 (VCV000195509.25), dbSNP rs367664952, ClinGen allele CA241951.

ClinVar aggregate classification (germline): Uncertain significance. Review status: criteria provided, multiple submitters, no conflicts (2 of 4 stars). 7 submissions from 7 submitters: Uncertain significance (7). Last evaluated 2025-09-26.

Conditions:
CNTNAP2-related disorder. Also called: CNTNAP2-related condition.
Inborn genetic diseases. Identifiers: MedGen C0950123, MeSH D030342.
Autism, susceptibility to, 15. Also called: Autism susceptibility 15. Identifiers: MedGen C2677504, MONDO:0012801, OMIM 612100.
Cortical dysplasia-focal epilepsy syndrome (PTHSL1). Also called: Pitt-Hopkins-like syndrome 1. Identifiers: Orphanet 163681, Orphanet 221150, MedGen C2750246, MONDO:0012400, OMIM 610042.

Allele frequency attached by ClinVar (database versions not stated): gnomAD exomes 0.00005 and 0.00008; TOPMed 0.00005; gnomAD 0.00007; ESP Exome Variant Server 0.00008; ExAC 0.00004.
gnomAD v4.1: 88 of 1,613,920 alleles (0.0055%); highest among the groups gnomAD compares: Non-Finnish European, 0.0064%; no homozygotes.

Submissions (7):

GeneDx
Classification: Uncertain significance. Last evaluated: 2025-09-26. Review status: criteria provided, single submitter. Criteria: GeneDx Variant Classification Process June 2021. Collection method: clinical testing. Allele origin: germline. Affected: yes.
Comment: In silico analysis supports that this missense variant has a deleterious effect on protein structure/function; Has not been previously published as pathogenic or benign to our knowledge; Not observed at significant frequency in large population cohorts (gnomAD); This variant is associated with the following publications: (PMID: 22872700, 18179895)

Labcorp Genetics (formerly Invitae), Labcorp
Classification: Uncertain significance for Cortical dysplasia-focal epilepsy syndrome. Last evaluated: 2025-09-03. Review status: criteria provided, single submitter. Criteria: Invitae Variant Classification Sherloc (09022015). Collection method: clinical testing. Allele origin: germline.
Comment: This sequence change replaces arginine, which is basic and polar, with cysteine, which is neutral and slightly polar, at codon 1119 of the CNTNAP2 protein (p.Arg1119Cys). This variant is present in population databases (rs367664952, gnomAD 0.02%). This missense change has been observed in individual(s) with clinical features of CNTNAP2-related conditions (internal data). ClinVar contains an entry for this variant (Variation ID: 195509). An algorithm developed to predict the effect of missense changes on protein structure and function (PolyPhen-2) suggests that this variant is likely to be disruptive. In summary, the available evidence is currently insufficient to determine the role of this variant in disease. Therefore, it has been classified as a Variant of Uncertain Significance.

PreventionGenetics, part of Exact Sciences
Classification: Uncertain significance for CNTNAP2-related condition. Last evaluated: 2025-02-19. Review status: criteria provided, single submitter. Criteria: ACMG Guidelines, 2015. Collection method: clinical testing. Allele origin: germline.
Comment: The CNTNAP2 c.3355C>T variant is predicted to result in the amino acid substitution p.Arg1119Cys. To our knowledge, this variant has not been reported in the literature. This variant is reported in 0.015% of alleles in individuals of European (Non-Finnish) descent in gnomAD. At this time, the clinical significance of this variant is uncertain due to the absence of conclusive functional and genetic evidence.

Blueprint Genetics
Classification: Uncertain significance. Last evaluated: 2024-10-11. Review status: criteria provided, single submitter. Criteria: ACMG Guidelines, 2015. Collection method: clinical testing. Allele origin: germline.

Fulgent Genetics
Classification: Uncertain significance for Cortical dysplasia-focal epilepsy syndrome; Autism, susceptibility to, 15. Last evaluated: 2022-01-28. Review status: criteria provided, single submitter. Criteria: ACMG Guidelines, 2015. Collection method: clinical testing. Allele origin: unknown.

Ambry Genetics
Classification: Uncertain significance for Inborn genetic diseases. Last evaluated: 2021-10-29. Review status: criteria provided, single submitter. Criteria: Ambry Variant Classification Scheme 2023. Collection method: clinical testing. Allele origin: germline.

Eurofins Ntd Llc (ga)
Classification: Uncertain significance. Last evaluated: 2015-11-11. Review status: criteria provided, single submitter. Criteria: EGL Classification Definitions 2015. Collection method: clinical testing. Allele origin: germline. Observed: 2 variant alleles, 2 heterozygotes.